The following is an entry in ClinVar:

ClinVar aggregate classification (germline): Uncertain significance (1 of 4 stars; one submission).

Conditions:
Hereditary hyperferritinemia with congenital cataracts. Also called: Hereditary hyperferritinemia cataract syndrome; Bonneau-Beaumont syndrome; HYPERFERRITINEMIA WITH OR WITHOUT CATARACT. Identifiers: Orphanet 163, MedGen C1833213, MONDO:0010952, OMIM 600886.
Neuroferritinopathy (NBIA3). Also called: NEURODEGENERATION WITH BRAIN IRON ACCUMULATION 3; BASAL GANGLIA DISEASE, ADULT-ONSET. Identifiers: Orphanet 157846, MedGen C1853578, MONDO:0011638, OMIM 606159.

Allele frequency attached by ClinVar (database versions not stated): gnomAD below 0.00001 and 0.00001; ExAC 0.00003; gnomAD exomes 0.00004.
gnomAD v4.1: 23 of 1,613,954 alleles (0.0014%); highest among the groups gnomAD compares: South Asian, 0.025%; no homozygotes.

Submission:

Labcorp Genetics (formerly Invitae), Labcorp
Classification: Uncertain significance for Neuroferritinopathy; Hereditary hyperferritinemia with congenital cataracts. Last evaluated: 2018-08-12. Review status: criteria provided, single submitter. Criteria: Invitae Variant Classification Sherloc (09022015). Collection method: clinical testing. Allele origin: germline.
Comment: Algorithms developed to predict the effect of sequence changes on RNA splicing suggest that this variant may create or strengthen a splice site, but this prediction has not been confirmed by published transcriptional studies. In summary, the available evidence is currently insufficient to determine the role of this variant in disease. Therefore, it has been classified as a Variant of Uncertain Significance. Algorithms developed to predict the effect of missense changes on protein structure and function output the following: SIFT: "Deleterious"; PolyPhen-2: "Benign"; Align-GVGD: "Class C0". The valine amino acid residue is found in multiple mammalian species, suggesting that this missense change does not adversely affect protein function. These predictions have not been confirmed by published functional studies and their clinical significance is uncertain. This sequence change replaces leucine with valine at codon 126 of the FTL protein (p.Leu126Val). The leucine residue is moderately conserved and there is a small physicochemical difference between leucine and valine. This variant is present in population databases (rs775308103, ExAC 0.02%). This variant has not been reported in the literature in individuals with FTL-related disease.

NM_000146.4(FTL):c.376C>G (p.Leu126Val)

Gene: FTL (ferritin light chain; plus strand). Cytogenetic location: 19q13.33.
Variant type: single nucleotide variant.
Coding change: c.376C>G on transcript NM_000146.4 (MANE Select); coding-DNA position 376, C replaced by G.
Protein change: p.Leu126Val; replaces leucine 126 with valine.
Molecular consequence: missense variant.
Genome position (GRCh38, 1-based): chr19:48,966,583, C>G. VCF-style: chr19-48966583-C-G. GRCh37 (hg19) VCF-style: chr19-49469840-C-G.
Other names: short protein forms L126V.
Identifiers: ClinVar variation 655682 (VCV000655682.9), dbSNP rs775308103, ClinGen allele CA9562568.
Genomic context (GRCh38, chr19:48,966,583, plus strand): 5'-CTGCTCTCTCCCCCTCTTTTCCAGGGATTGGGTTTCTAATTTCTCCCTCTTCTCTCTCAG[C>G]TCTGTGACTTCCTGGAGACTCACTTCCTAGATGAGGAAGTGAAGCTTATCAAGAAGATGG-3'
Protein context (NP_000137.2, residues 116-136): ALGSARTDPH[Leu126Val]CDFLETHFLD